The following is an entry in ClinVar:

ClinVar aggregate classification (germline): Uncertain significance. Review status: criteria provided, multiple submitters, no conflicts (2 of 4 stars). 4 submissions from 4 submitters: Uncertain significance (3). 1 of the submissions does not count toward it. Last evaluated 2024-09-27.

Conditions:
Usher syndrome type 1 (USH1). Also called: RETINITIS PIGMENTOSA AND CONGENITAL DEAFNESS. Identifiers: Orphanet 231169, Orphanet 886, MedGen C1568247, MONDO:0010168, OMIM 276900.

Allele frequency attached by ClinVar (database versions not stated): ExAC below 0.00001; gnomAD exomes 0.00002; TOPMed 0.00002.
gnomAD v4.1: 19 of 1,570,102 alleles (0.0012%); highest among the groups gnomAD compares: Admixed American, 0.0074%; no homozygotes.

Submissions (4):

GeneDx
Classification: Uncertain significance. Last evaluated: 2024-09-27. Review status: criteria provided, single submitter. Criteria: GeneDx Variant Classification Process June 2021. Collection method: clinical testing. Allele origin: germline. Affected: yes.
Comment: In silico analysis indicates that this missense variant does not alter protein structure/function; Has not been previously published as pathogenic or benign to our knowledge

Labcorp Genetics (formerly Invitae), Labcorp
Classification: Uncertain significance. Last evaluated: 2021-08-30. Review status: criteria provided, single submitter. Criteria: Invitae Variant Classification Sherloc (09022015). Collection method: clinical testing. Allele origin: germline.
Comment: This sequence change replaces aspartic acid with asparagine at codon 2716 of the CDH23 protein (p.Asp2716Asn). The aspartic acid residue is highly conserved and there is a small physicochemical difference between aspartic acid and asparagine. The frequency data for this variant in the population databases is considered unreliable, as metrics indicate poor data quality at this position in the ExAC database. This variant has not been reported in the literature in individuals affected with CDH23-related conditions. Algorithms developed to predict the effect of missense changes on protein structure and function are either unavailable or do not agree on the potential impact of this missense change (SIFT: "Deleterious"; PolyPhen-2: "Not Available"; Align-GVGD: "Class C0"). In summary, the available evidence is currently insufficient to determine the role of this variant in disease. Therefore, it has been classified as a Variant of Uncertain Significance.

Blueprint Genetics
Classification: Uncertain significance. Last evaluated: 2019-07-30. Review status: criteria provided, single submitter. Criteria: ACMG Guidelines, 2015. Collection method: clinical testing. Allele origin: germline.

Natera, Inc.
Classification: Uncertain significance for Usher syndrome type 1. Last evaluated: 2021-06-04. Review status: no assertion criteria provided. Collection method: clinical testing. Allele origin: germline. Not counted in ClinVar's aggregate classification.

NM_022124.6(CDH23):c.8146G>A (p.Asp2716Asn)

Gene: CDH23 (cadherin related 23; plus strand). Cytogenetic location: 10q22.1.
Variant type: single nucleotide variant.
Coding change: c.8146G>A on transcript NM_022124.6 (MANE Select); coding-DNA position 8146, G replaced by A.
Protein change: p.Asp2716Asn; replaces aspartic acid 2716 with asparagine.
Molecular consequence: missense variant.
Genome position (GRCh38, 1-based): chr10:71,806,249, G>A. VCF-style: chr10-71806249-G-A. GRCh37 (hg19) VCF-style: chr10-73566006-G-A.
Other names: c.1426G>A, p.Asp476Asn (NM_001171933.1, NM_001171934.1); c.8146G>A (NM_022124.5); short protein forms D2716N, D476N.
Identifiers: ClinVar variation 1000263 (VCV001000263.5), dbSNP rs748766643, ClinGen allele CA5546556.
Genomic context (GRCh38, chr10:71,806,249, plus strand): 5'-CTGGGCCAGCCAGTGCCATACGAGACTATGCAGCCGCTGCAGGTGGCCCTGGAGGACATC[G>A]ATGACAACGAACCCCTTTTCGTGAGGCCTCCAGTGAGCTTGCCCACCTCCTGCGCTGGTC-3'
Protein context (NP_071407.4, residues 2706-2726): QPLQVALEDI[Asp2716Asn]DNEPLFVRPP